The following is an entry in ClinVar:

NM_015692.5(CPAMD8):c.125G>A (p.Arg42His)

Gene: CPAMD8 (C3 and PZP like alpha-2-macroglobulin domain containing 8; minus strand). Cytogenetic location: 19p13.11.
Variant type: single nucleotide variant.
Coding change: c.125G>A on transcript NM_015692.5 (MANE Select); coding-DNA position 125, G replaced by A.
Protein change: p.Arg42His; replaces arginine 42 with histidine.
Molecular consequence: missense variant. On other transcripts: non-coding transcript variant (1).
Genome position (GRCh38, 1-based): chr19:17,022,149, C>T on the plus strand (G>A on the coding strand, the complement: CPAMD8 is on the minus strand). VCF-style: chr19-17022149-C-T. GRCh37 (hg19) VCF-style: chr19-17132959-C-T.
Other names: short protein forms R42H.
Identifiers: ClinVar variation 2142932 (VCV002142932.4), dbSNP rs368347732, ClinGen allele CA9286287.

ClinVar aggregate classification (germline): Uncertain significance (1 of 4 stars; one submission).

Allele frequency attached by ClinVar (database versions not stated): ESP Exome Variant Server 0.00008; gnomAD 0.00013.
gnomAD v4.1: 78 of 1,610,066 alleles (0.0048%); highest among the groups gnomAD compares: Admixed American, 0.013%; no homozygotes.

Submission:

Labcorp Genetics (formerly Invitae), Labcorp
Classification: Uncertain significance. Last evaluated: 2022-03-19. Review status: criteria provided, single submitter. Criteria: Invitae Variant Classification Sherloc (09022015). Collection method: clinical testing. Allele origin: germline.
Comment: This sequence change replaces arginine, which is basic and polar, with histidine, which is basic and polar, at codon 89 of the CPAMD8 protein (p.Arg89His). This variant is present in population databases (rs368347732, gnomAD 0.02%). This variant has not been reported in the literature in individuals affected with CPAMD8-related conditions. Algorithms developed to predict the effect of missense changes on protein structure and function (SIFT, PolyPhen-2, Align-GVGD) all suggest that this variant is likely to be tolerated. In summary, the available evidence is currently insufficient to determine the role of this variant in disease. Therefore, it has been classified as a Variant of Uncertain Significance.